The following is an entry in ClinVar:

NM_006084.5(IRF9):c.526del (p.His176fs)

Gene: IRF9 (interferon regulatory factor 9; plus strand). Cytogenetic location: 14q12.
Variant type: Deletion.
Coding change: c.526del on transcript NM_006084.5 (MANE Select); coding-DNA position 526, one base deleted (C; older notation c.526delC).
Protein change: p.His176fs; shifts the reading frame from histidine 176.
Molecular consequence: frameshift variant.
Genome position (GRCh38, 1-based): chr14:24,163,908, C deleted; the last of 2 consecutive C bases (chr14:24,163,907-24,163,908); deleting either gives the same sequence. VCF-style (leftmost placement, unchanged base first): chr14-24163906-TC-T. GRCh37 (hg19) VCF-style: chr14-24633115-TC-T.
Other names: c.526del, p.His176fs (NM_001385400.1, NM_001385401.1, NM_001385402.1); short protein forms H176fs.
Identifiers: ClinVar variation 2752569 (VCV002752569.3), dbSNP rs2502041821, ClinGen allele CA2697553831.

ClinVar aggregate classification (germline): Uncertain significance (1 of 4 stars; one submission).

Submission:

Labcorp Genetics (formerly Invitae), Labcorp
Classification: Uncertain significance. Last evaluated: 2023-08-14. Review status: criteria provided, single submitter. Criteria: Invitae Variant Classification Sherloc (09022015). Collection method: clinical testing. Allele origin: germline.
Comment: This variant has not been reported in the literature in individuals affected with IRF9-related conditions. In summary, the available evidence is currently insufficient to determine the role of this variant in disease. Therefore, it has been classified as a Variant of Uncertain Significance. This variant is not present in population databases (gnomAD no frequency). This sequence change creates a premature translational stop signal (p.His176Ilefs*97) in the IRF9 gene. It is expected to result in an absent or disrupted protein product. However, the current clinical and genetic evidence is not sufficient to establish whether loss-of-function variants in IRF9 cause disease.